The following is an entry in ClinVar:

NM_007227.3(GPR45):c.92C>T (p.Ala31Val)

Gene: GPR45 (G protein-coupled receptor 45; plus strand). Cytogenetic location: 2q12.1.
Variant type: single nucleotide variant.
Coding change: c.92C>T on transcript NM_007227.3 (MANE Select); coding-DNA position 92, C replaced by T.
Protein change: p.Ala31Val; replaces alanine 31 with valine.
Molecular consequence: missense variant.
Genome position (GRCh38, 1-based): chr2:105,241,950, C>T. VCF-style: chr2-105241950-C-T. GRCh37 (hg19) VCF-style: chr2-105858407-C-T.
Other names: short protein forms A31V.
Identifiers: ClinVar variation 2704037 (VCV002704037.3), dbSNP rs2466837533, ClinGen allele CA348099318.
Genomic context (GRCh38, chr2:105,241,950, plus strand): 5'-ACACATACCTGCTGCTGAACACCAGCAACGCCTCAGACTCGGGGTCCACCCAGTTGCCCG[C>T]ACCCCTCAGGATCTCCTTGGCCATAGTGATGCTGCTGATGACCGTGGTGGGGTTCCTGGG-3'
Protein context (NP_009158.3, residues 21-41): ASDSGSTQLP[Ala31Val]PLRISLAIVM

ClinVar aggregate classification (germline): Uncertain significance (1 of 4 stars; one submission).

Allele frequency attached by ClinVar (database versions not stated): gnomAD exomes below 0.00001.
gnomAD v4.1: 1 of 1,613,100 alleles (0.000062%); highest among the groups gnomAD compares: Non-Finnish European, 0.000085%; no homozygotes.

Submission:

Labcorp Genetics (formerly Invitae), Labcorp
Classification: Uncertain significance. Last evaluated: 2023-12-19. Review status: criteria provided, single submitter. Criteria: Invitae Variant Classification Sherloc (09022015). Collection method: clinical testing. Allele origin: germline.
Comment: This sequence change replaces alanine, which is neutral and non-polar, with valine, which is neutral and non-polar, at codon 31 of the GPR45 protein (p.Ala31Val). This variant is not present in population databases (gnomAD no frequency). This variant has not been reported in the literature in individuals affected with GPR45-related conditions. Algorithms developed to predict the effect of missense changes on protein structure and function output the following: SIFT: "Not Available"; PolyPhen-2: "Benign"; Align-GVGD: "Not Available". The valine amino acid residue is found in multiple mammalian species, which suggests that this missense change does not adversely affect protein function. In summary, the available evidence is currently insufficient to determine the role of this variant in disease. Therefore, it has been classified as a Variant of Uncertain Significance.